The following is an entry in ClinVar:

NM_000245.4(MET):c.2791T>A (p.Phe931Ile)

Gene: MET (MET proto-oncogene, receptor tyrosine kinase; plus strand). Cytogenetic location: 7q31.2.
Variant type: single nucleotide variant.
Coding change: c.2791T>A on transcript NM_000245.4 (MANE Select); coding-DNA position 2791, T replaced by A.
Protein change: p.Phe931Ile; replaces phenylalanine 931 with isoleucine.
Molecular consequence: missense variant.
Genome position (GRCh38, 1-based): chr7:116,771,558, T>A. VCF-style: chr7-116771558-T-A. GRCh37 (hg19) VCF-style: chr7-116411612-T-A.
Other names: c.2845T>A (LRG_662t1); c.2845T>A, p.Phe949Ile (NM_001127500.3); c.1501T>A, p.Phe501Ile (NM_001324402.2); short protein forms F949I, F931I, F501I.
Identifiers: ClinVar variation 582952 (VCV000582952.12), dbSNP rs1562930067, ClinGen allele CA368986345.
Genomic context (GRCh38, chr7:116,771,558, plus strand): 5'-TGGAAGCAAGCAATTTCTTCAACCGTCCTTGGAAAAGTAATAGTTCAACCAGATCAGAAT[T>A]TCACAGGATTGATTGCTGGTGTTGTCTCAATATCAACAGCACTGTTATTACTACTTGGGT-3'
Protein context (NP_000236.2, residues 921-941): GKVIVQPDQN[Phe931Ile]TGLIAGVVSI

ClinVar aggregate classification (germline): Uncertain significance. Review status: criteria provided, multiple submitters, no conflicts (2 of 4 stars). 2 submissions from 2 submitters: Uncertain significance (2). Last evaluated 2024-10-30.

Conditions:
Renal cell carcinoma. Identifiers: Orphanet 217071, MedGen C0007134, MeSH D002292, MONDO:0005086, HP:0005584.
Hereditary cancer-predisposing syndrome. Also called: Neoplastic Syndromes, Hereditary; Hereditary Cancer Syndrome; Tumor predisposition; Hereditary neoplastic syndrome. Identifiers: Orphanet 140162, MedGen C0027672, MeSH D009386, MONDO:0015356.

Submissions (2):

Labcorp Genetics (formerly Invitae), Labcorp
Classification: Uncertain significance for Renal cell carcinoma. Last evaluated: 2024-10-30. Review status: criteria provided, single submitter. Criteria: Invitae Variant Classification Sherloc (09022015). Collection method: clinical testing. Allele origin: germline.
Comment: This sequence change replaces phenylalanine, which is neutral and non-polar, with isoleucine, which is neutral and non-polar, at codon 949 of the MET protein (p.Phe949Ile). This variant is not present in population databases (gnomAD no frequency). This variant has not been reported in the literature in individuals affected with MET-related conditions. ClinVar contains an entry for this variant (Variation ID: 582952). Invitae Evidence Modeling of protein sequence and biophysical properties (such as structural, functional, and spatial information, amino acid conservation, physicochemical variation, residue mobility, and thermodynamic stability) indicates that this missense variant is not expected to disrupt MET protein function with a negative predictive value of 80%. In summary, the available evidence is currently insufficient to determine the role of this variant in disease. Therefore, it has been classified as a Variant of Uncertain Significance.

Ambry Genetics
Classification: Uncertain significance for Hereditary cancer-predisposing syndrome. Last evaluated: 2023-08-10. Review status: criteria provided, single submitter. Criteria: Ambry Variant Classification Scheme 2023. Collection method: clinical testing. Allele origin: germline.
Comment: The p.F949I variant (also known as c.2845T>A), located in coding exon 12 of the MET gene, results from a T to A substitution at nucleotide position 2845. The phenylalanine at codon 949 is replaced by isoleucine, an amino acid with highly similar properties. This amino acid position is well conserved in available vertebrate species. In addition, this alteration is predicted to be tolerated by in silico analysis. Since supporting evidence is limited at this time, the clinical significance of this alteration remains unclear.